The following is an entry in ClinVar:

ClinVar aggregate classification (germline): Likely benign (1 of 4 stars; one submission).

Allele frequency attached by ClinVar (database versions not stated): gnomAD exomes 0.00001; gnomAD 0.00003; TOPMed 0.00003.
gnomAD v4.1: 24 of 1,550,414 alleles (0.0015%); highest among the groups gnomAD compares: Non-Finnish European, 0.002%; no homozygotes.

Submission:

Laboratory for Molecular Medicine, Mass General Brigham Personalized Medicine
Classification: Likely benign. Last evaluated: 2023-02-27. Review status: criteria provided, single submitter. Criteria: ACMG Guidelines, 2015. Collection method: clinical testing. Allele origin: germline.
Comment: The p.Leu1810Leu variant is likely benign because it is alter the amino acid residue and is not predicted to impact splicing. It has been seen in 0.02% (1/4334) Other and 0.009% (5/55332) European chromosomes in gnomAD. ACMG/AMP criteria applied: BP7.

NM_001292063.2(OTOG):c.5394C>A (p.Leu1798=)

Gene: OTOG (otogelin; plus strand). Cytogenetic location: 11p15.1.
Variant type: single nucleotide variant.
Coding change: c.5394C>A on transcript NM_001292063.2 (MANE Select); coding-DNA position 5394, C replaced by A.
Protein change: p.Leu1798=; no amino-acid change (leucine 1798 retained).
Molecular consequence: synonymous variant.
Genome position (GRCh38, 1-based): chr11:17,610,694, C>A. VCF-style: chr11-17610694-C-A. GRCh37 (hg19) VCF-style: chr11-17632241-C-A.
Other names: c.5430C>A, p.Leu1810= (NM_001277269.2).
Identifiers: ClinVar variation 3075941 (VCV003075941.1), dbSNP rs943466615, ClinGen allele CA218476441.